The following is an entry in ClinVar:

ClinVar aggregate classification (germline): Uncertain significance. Review status: criteria provided, multiple submitters, no conflicts (2 of 4 stars). 2 submissions from 2 submitters: Uncertain significance (2). Last evaluated 2025-06-12.

Conditions:
OPTN-related disorder. Also called: OPTN-related disorders; OPTN-related condition.
Glaucoma 1, open angle, E. Identifiers: MedGen C1842026, MONDO:0007665.
Amyotrophic lateral sclerosis type 12 (ALS12). Also called: AMYOTROPHIC LATERAL SCLEROSIS 12 WITH OR WITHOUT FRONTOTEMPORAL DEMENTIA. Identifiers: Orphanet 803, MedGen C3150692, MONDO:0013264, OMIM 613435.
Primary open angle glaucoma (POAG). Also called: OPTN-related open angle glaucoma. Identifiers: MedGen C0339573, MONDO:0100553, OMIM 137760.

gnomAD v4.1: 7 of 1,614,006 alleles (0.00043%); highest among the groups gnomAD compares: African/African-American, 0.0013%; no homozygotes.

Submissions (2):

PreventionGenetics, part of Exact Sciences
Classification: Uncertain significance for OPTN-related condition. Last evaluated: 2025-06-12. Review status: criteria provided, single submitter. Criteria: ACMG Guidelines, 2015. Collection method: clinical testing. Allele origin: germline.
Comment: The OPTN c.489A>T variant is predicted to result in the amino acid substitution p.Glu163Asp. To our knowledge, this variant has not been reported in the literature or in a large population database (gnomAD), indicating this variant is rare. At this time, the clinical significance of this variant is uncertain due to the absence of conclusive functional and genetic evidence.

Labcorp Genetics (formerly Invitae), Labcorp
Classification: Uncertain significance for Primary open angle glaucoma; Glaucoma 1, open angle, E; Amyotrophic lateral sclerosis type 12. Last evaluated: 2021-11-13. Review status: criteria provided, single submitter. Criteria: Invitae Variant Classification Sherloc (09022015). Collection method: clinical testing. Allele origin: germline.
Comment: This variant has not been reported in the literature in individuals affected with OPTN-related conditions. Algorithms developed to predict the effect of missense changes on protein structure and function are either unavailable or do not agree on the potential impact of this missense change (SIFT: "Tolerated"; PolyPhen-2: "Possibly Damaging"; Align-GVGD: "Class C0"). In summary, the available evidence is currently insufficient to determine the role of this variant in disease. Therefore, it has been classified as a Variant of Uncertain Significance. This variant is not present in population databases (gnomAD no frequency). This sequence change replaces glutamic acid, which is acidic and polar, with aspartic acid, which is acidic and polar, at codon 163 of the OPTN protein (p.Glu163Asp).

NM_001008212.2(OPTN):c.489A>T (p.Glu163Asp)

Gene: OPTN (optineurin; plus strand). Cytogenetic location: 10p13.
Variant type: single nucleotide variant.
Coding change: c.489A>T on transcript NM_001008212.2 (MANE Select); coding-DNA position 489, A replaced by T.
Protein change: p.Glu163Asp; replaces glutamic acid 163 with aspartic acid.
Molecular consequence: missense variant.
Genome position (GRCh38, 1-based): chr10:13,112,572, A>T. VCF-style: chr10-13112572-A-T. GRCh37 (hg19) VCF-style: chr10-13154572-A-T.
Other names: c.489A>T, p.Glu163Asp (NM_001008211.1, NM_001008213.1, NM_021980.4); short protein forms E163D.
Identifiers: ClinVar variation 1423675 (VCV001423675.7), dbSNP rs113811959, ClinGen allele CA376028019.